The following is an entry in ClinVar:

ClinVar aggregate classification (germline): Uncertain significance (1 of 4 stars; one submission).

Submission:

Women's Health and Genetics/Laboratory Corporation of America, LabCorp
Classification: Uncertain significance. Last evaluated: 2024-10-07. Review status: criteria provided, single submitter. Criteria: LabCorp Variant Classification Summary - May 2015. Collection method: clinical testing. Allele origin: germline.
Comment: Variant summary: RFX7 c.245A>T (p.Gln82Leu) results in a non-conservative amino acid change in the encoded protein sequence. Two of four in-silico tools predict a benign effect of the variant on protein function. The variant was absent in 248874 control chromosomes. The available data on variant occurrences in the general population are insufficient to allow any conclusion about variant significance. To our knowledge, no occurrence of c.245A>T in individuals affected with Intellectual Developmental Disorder, Autosomal Dominant 71, With Behavioral Abnormalities and no experimental evidence demonstrating its impact on protein function have been reported. No submitters have cited clinical-significance assessments for this variant to ClinVar. Based on the evidence outlined above, the variant was classified as uncertain significance.

NM_022841.7(RFX7):c.245A>T (p.Gln82Leu)

Gene: RFX7 (regulatory factor X7; minus strand). Cytogenetic location: 15q21.3.
Variant type: single nucleotide variant.
Coding change: c.245A>T on transcript NM_022841.7 (MANE Select); coding-DNA position 245, A replaced by T.
Protein change: p.Gln82Leu; replaces glutamine 82 with leucine.
Molecular consequence: missense variant. On other transcripts: 5 prime UTR variant (3).
Genome position (GRCh38, 1-based): chr15:56,144,434, T>A on the plus strand (A>T on the coding strand, the complement: RFX7 is on the minus strand). VCF-style: chr15-56144434-T-A. GRCh37 (hg19) VCF-style: chr15-56436632-T-A.
Other names: c.-47A>T (NM_001368073.2, NM_001368074.1, NM_001370554.1); c.245A>T, p.Gln82Leu (NM_001370561.1); short protein forms Q82L.
Identifiers: ClinVar variation 3384874 (VCV003384874.1).